The following is an entry in ClinVar:

NM_004415.4(DSP):c.1162del (p.Thr388fs)

Gene: DSP (desmoplakin; plus strand). Cytogenetic location: 6p24.3.
Variant type: Deletion.
Coding change: c.1162del on transcript NM_004415.4 (MANE Select); coding-DNA position 1162, one base deleted (A; older notation c.1162delA).
Protein change: p.Thr388fs; shifts the reading frame from threonine 388.
Molecular consequence: frameshift variant.
Genome position (GRCh38, 1-based): chr6:7,567,802, A deleted. VCF-style (leftmost placement, unchanged base first): chr6-7567801-TA-T. GRCh37 (hg19) VCF-style: chr6-7568034-TA-T.
Other names: c.1162del (LRG_423t1); c.1162del, p.Thr388fs (NM_001008844.3, NM_001319034.2); short protein forms T388fs.
Identifiers: ClinVar variation 464957 (VCV000464957.12), dbSNP rs1554106742, ClinGen allele CA658655927.
Genomic context (GRCh38, chr6:7,567,801, plus strand): 5'-GAGTTGCTGTTCATTCACTGATCACTCTCATCCTTCACAGTTTTTTGAAGAGGCGCAGTC[TA>T]CTGAAGCATACCTGAAGGGGCTCCAGGACTCCATCAGGAAGAAGTACCCCTGCGACAAGA-3'

ClinVar aggregate classification (germline): Pathogenic. Review status: criteria provided, multiple submitters, no conflicts (2 of 4 stars). 2 submissions from 2 submitters: Pathogenic (2). Last evaluated 2020-12-28.

Conditions:
Arrhythmogenic right ventricular dysplasia 8 (ARVD8). Also called: Arrhythmogenic Right Ventricular Dysplasia/Cardiomyopathy 8; ARRHYTHMOGENIC RIGHT VENTRICULAR DYSPLASIA, FAMILIAL, 8; ARRHYTHMOGENIC RIGHT VENTRICULAR CARDIOMYOPATHY 8. Identifiers: MedGen C1843896, MONDO:0011831, OMIM 607450.
Arrhythmogenic cardiomyopathy with wooly hair and keratoderma. Also called: Dilated cardiomyopathy with woolly hair and keratoderma; Arrhythmogenic cardiomyopathy with woolly hair and keratoderma; PALMOPLANTAR KERATODERMA WITH LEFT VENTRICULAR CARDIOMYOPATHY AND WOOLLY HAIR; Carvajal syndrome. Identifiers: Orphanet 65282, MedGen C1854063, MONDO:0011581, OMIM 605676.
Cardiovascular phenotype. Identifiers: MedGen CN230736.

Submissions (2):

Ambry Genetics
Classification: Pathogenic for Cardiovascular phenotype. Last evaluated: 2020-12-28. Review status: criteria provided, single submitter. Criteria: Ambry Variant Classification Scheme 2023. Collection method: clinical testing. Allele origin: germline.
Comment: The c.1162delA variant, located in coding exon 10 of the DSP gene, results from a deletion of one nucleotide at nucleotide position 1162, causing a translational frameshift with a predicted alternate stop codon (p.T388Lfs*5). This variant (referred to as chr6:7568034TA>T) has been detected in a peripartum cardiomyopathy cohort (Ware JS et al. N Engl J Med, 2016 Jan;374:233-41). In addition to the clinical data presented in the literature, alterations in DSP that result in haploinsufficiency or protein truncation have been reported in patients with arrhythmogenic right ventricular cardiomyopathy (ARVC) and dilated cardiomyopathy (DCM) (Fressart V et al. Europace. 2010;12(6):861-8; Elliott P et al. Circ Cardiovasc Genet. 2010;3(4):314-22; Quarta G et al. Circulation. 2011;123(23):2701-9; Garcia-Pavia P et al. Heart. 2011;97(21):1744-52; Rasmussen TB et al. Clin Genet. 2013;84(1):20-30; Pugh TJ et al. Genet Med. 2014;16(8):601-8). This alteration is expected to result in loss of function by premature protein truncation or nonsense-mediated mRNA decay. As such, this alteration is interpreted as a disease-causing mutation.

Labcorp Genetics (formerly Invitae), Labcorp
Classification: Pathogenic for Arrhythmogenic cardiomyopathy with wooly hair and keratoderma; Arrhythmogenic right ventricular dysplasia 8. Last evaluated: 2018-10-09. Review status: criteria provided, single submitter. Criteria: Invitae Variant Classification Sherloc (09022015). Collection method: clinical testing. Allele origin: germline.
Comment: Loss-of-function variants in DSP are known to be pathogenic. This particular variant has been reported in the literature in an individual with cardiomyopathy (PMID: 26735901). For these reasons, this variant has been classified as Pathogenic. This sequence change deletes 1 nucleotide from exon 10 of the DSP mRNA (c.1162delA), causing a frameshift at codon 388. This creates a premature translational stop signal (p.Thr388Leufs*5) and is expected to result in an absent or disrupted protein product.

Literature cited by the submitters: PubMed 26735901 (cited by Ambry Genetics and Labcorp Genetics (formerly Invitae), Labcorp).